The following is an entry in ClinVar:

NM_001903.5(CTNNA1):c.2411G>A (p.Gly804Asp)

Gene: CTNNA1 (catenin alpha 1; plus strand). Cytogenetic location: 5q31.2.
Variant type: single nucleotide variant.
Coding change: c.2411G>A on transcript NM_001903.5 (MANE Select); coding-DNA position 2411, G replaced by A.
Protein change: p.Gly804Asp; replaces glycine 804 with aspartic acid.
Molecular consequence: missense variant. On other transcripts: intron variant (1).
Genome position (GRCh38, 1-based): chr5:138,932,690, G>A. VCF-style: chr5-138932690-G-A. GRCh37 (hg19) VCF-style: chr5-138268379-G-A.
Other names: c.1301G>A, p.Gly434Asp (NM_001324004.1, NM_001324005.1, NM_001290312.1 and 16 more transcripts); c.962G>A, p.Gly321Asp (NM_001324006.1, NM_001324007.1, NM_001324008.1 and 2 more transcripts); c.1208G>A, p.Gly403Asp (NM_001324011.1); c.1058G>A, p.Gly353Asp (NM_001324012.1, NM_001324013.1); c.2411G>A, p.Gly804Asp (NM_001290307.3, NM_001323982.2, NM_001323983.1 and 2 more transcripts); c.2102G>A, p.Gly701Asp (NM_001290309.3); c.2042G>A, p.Gly681Asp (NM_001290310.3); c.2318G>A, p.Gly773Asp (NM_001323986.2); and 2 more; short protein forms G321D, G403D, G434D, G804D, G701D, G353D, G681D, G773D.
Identifiers: ClinVar variation 4719556 (VCV004719556.2).
Genomic context (GRCh38, chr5:138,932,690, plus strand): 5'-CCCTCTACTGCCACCAGCTGAACATCTGCAGCAAGGTCAAGGCCGAGGTGCAGAATCTCG[G>A]CGGGGAGCTTGTTGTCTCTGGGGTAAGCATTAGCTGAACAAAAAGAGGGCCAGTGGGAAC-3'
Protein context (NP_001894.2, residues 794-814): SKVKAEVQNL[Gly804Asp]GELVVSGVDS

ClinVar aggregate classification (germline): Uncertain significance. Review status: criteria provided, multiple submitters, no conflicts (2 of 4 stars). 2 submissions from 2 submitters: Uncertain significance (2). Last evaluated 2026-07-02.

Conditions:
Hereditary cancer-predisposing syndrome. Also called: Hereditary Cancer Syndrome; Hereditary neoplastic syndrome; Neoplastic Syndromes, Hereditary; Tumor predisposition. Identifiers: Orphanet 140162, MedGen C0027672, MeSH D009386, MONDO:0015356.

Submissions (2):

Ambry Genetics
Classification: Uncertain significance for Hereditary cancer-predisposing syndrome. Last evaluated: 2026-07-02. Review status: criteria provided, single submitter. Criteria: Ambry Variant Classification Scheme 2023. Collection method: clinical testing. Allele origin: germline.
Comment: The p.G804D variant (also known as c.2411G>A), located in coding exon 16 of the CTNNA1 gene, results from a G to A substitution at nucleotide position 2411. The glycine at codon 804 is replaced by aspartic acid, an amino acid with similar properties. This amino acid position is highly conserved in available vertebrate species. In addition, the in silico prediction for this alteration is inconclusive. Based on the available evidence, the clinical significance of this variant remains unclear.

Labcorp Genetics (formerly Invitae), Labcorp
Classification: Uncertain significance. Last evaluated: 2025-05-14. Review status: criteria provided, single submitter. Criteria: Invitae Variant Classification Sherloc (09022015). Collection method: clinical testing. Allele origin: germline.
Comment: This sequence change replaces glycine, which is neutral and non-polar, with aspartic acid, which is acidic and polar, at codon 804 of the CTNNA1 protein (p.Gly804Asp). This variant is not present in population databases (gnomAD no frequency). This variant has not been reported in the literature in individuals affected with CTNNA1-related conditions. An algorithm developed to predict the effect of missense changes on protein structure and function (PolyPhen-2) suggests that this variant is likely to be disruptive. In summary, the available evidence is currently insufficient to determine the role of this variant in disease. Therefore, it has been classified as a Variant of Uncertain Significance.